The following is an entry in ClinVar:

ClinVar aggregate classification (germline): Uncertain significance (1 of 4 stars; one submission).

Conditions:
Neurodevelopmental disorder with or without hyperkinetic movements and seizures, autosomal dominant. Also called: Intellectual disability, autosomal dominant 8. Identifiers: MedGen C3280282, MONDO:0013655, OMIM 614254.

Allele frequency attached by ClinVar (database versions not stated): gnomAD exomes below 0.00001; TOPMed below 0.00001; ExAC 0.00001.

Submission:

Labcorp Genetics (formerly Invitae), Labcorp
Classification: Uncertain significance for Neurodevelopmental disorder with or without hyperkinetic movements and seizures, autosomal dominant. Last evaluated: 2024-04-16. Review status: criteria provided, single submitter. Criteria: Invitae Variant Classification Sherloc (09022015). Collection method: clinical testing. Allele origin: germline.
Comment: This sequence change replaces glutamic acid, which is acidic and polar, with lysine, which is basic and polar, at codon 80 of the GRIN1 protein (p.Glu80Lys). This variant is present in population databases (rs748041860, gnomAD 0.003%). This variant has not been reported in the literature in individuals affected with GRIN1-related conditions. ClinVar contains an entry for this variant (Variation ID: 646663). Advanced modeling of protein sequence and biophysical properties (such as structural, functional, and spatial information, amino acid conservation, physicochemical variation, residue mobility, and thermodynamic stability) has been performed at Invitae for this missense variant, however the output from this modeling did not meet the statistical confidence thresholds required to predict the impact of this variant on GRIN1 protein function. In summary, the available evidence is currently insufficient to determine the role of this variant in disease. Therefore, it has been classified as a Variant of Uncertain Significance.

NM_007327.4(GRIN1):c.238G>A (p.Glu80Lys)

Gene: GRIN1 (glutamate ionotropic receptor NMDA type subunit 1; plus strand). Cytogenetic location: 9q34.3.
Variant type: single nucleotide variant.
Coding change: c.238G>A on transcript NM_007327.4 (MANE Select); coding-DNA position 238, G replaced by A.
Protein change: p.Glu80Lys; replaces glutamic acid 80 with lysine.
Molecular consequence: missense variant.
Genome position (GRCh38, 1-based): chr9:137,139,724, G>A. VCF-style: chr9-137139724-G-A. GRCh37 (hg19) VCF-style: chr9-140034176-G-A.
Other names: c.238G>A, p.Glu80Lys (NM_000832.7, NM_001185090.2, NM_001185091.2 and 1 more transcripts); short protein forms E80K.
Identifiers: ClinVar variation 646663 (VCV000646663.9), dbSNP rs748041860, ClinGen allele CA5360590.